The following is an entry in ClinVar:

ClinVar aggregate classification (germline): Benign/Likely benign. Review status: criteria provided, multiple submitters, no conflicts (2 of 4 stars). 2 submissions from 2 submitters: Benign (1); Likely benign (1). Last evaluated 2026-06-04.

Submissions (2):

Women's Health and Genetics/Laboratory Corporation of America, LabCorp
Classification: Benign. Last evaluated: 2026-06-04. Review status: criteria provided, single submitter. Criteria: LabCorp Variant Classification Summary - May 2015. Collection method: clinical testing. Allele origin: germline.
Comment: Variant summary: PRKG2 c.2127-21_2127-14dupCCTTCCTT alters a nucleotide located at a position not widely known to affect splicing. Consensus agreement among computation tools predict no significant impact on normal splicing. However, these predictions have yet to be confirmed by functional studies. The variant allele was found at a frequency of 0.32 in 23520 control chromosomes in the gnomAD database, including 1664 homozygotes. The observed variant frequency exceeds the estimated maximal expected allele frequency for disease-causing variants in PRKG2. To our knowledge, no occurrence of c.2127-21_2127-14dupCCTTCCTT in individuals affected with PRKG2-related conditions and no experimental evidence demonstrating its impact on protein function have been reported. ClinVar contains an entry for this variant (Variation ID: 2975970). Based on the evidence outlined above, the variant was classified as benign.

Labcorp Genetics (formerly Invitae), Labcorp
Classification: Likely benign. Last evaluated: 2024-05-01. Review status: criteria provided, single submitter. Criteria: Invitae Variant Classification Sherloc (09022015). Collection method: clinical testing. Allele origin: germline.

NM_006259.3(PRKG2):c.2127-61CCTT[14]

Gene: PRKG2 (protein kinase cGMP-dependent 2; minus strand). Cytogenetic location: 4q21.21.
Variant type: Microsatellite.
Coding change: c.2127-61CCTT[14] on transcript NM_006259.3 (MANE Select); 14 copies in a row of the 4-base unit CCTT starting at c.2127-61; the reference has 12 copies in a row; two copies, 8 bases duplicated.
Molecular consequence: intron variant.
Genome position (GRCh38, 1-based): chr4:81,092,466-81,092,473, AAGGAAGG duplicated on the plus strand (CCTTCCTT on the coding strand, the reverse complement: PRKG2 is on the minus strand); duplicating any 8 consecutive bases within chr4:81,092,466-81,092,513 gives the same sequence; the position shown is the placement nearest the transcript's 3' end. VCF-style (leftmost placement, unchanged base first): chr4-81092465-A-AAAGGAAGG. GRCh37 (hg19) VCF-style: chr4-82013619-A-AAAGGAAGG.
Other names: c.780-61CCTT[14] (NM_001282482.1); c.687-61CCTT[14] (NM_001282483.1); c.867-61CCTT[14] (NM_001282481.1, NM_001282480.1); c.2040-61CCTT[14] (NM_001282485.2); c.2127-61CCTT[14] (NM_001363401.2); c.2127-21_2127-14dupCCTTCCTT (NM_006259.3).
Identifiers: ClinVar variation 2975970 (VCV002975970.3), dbSNP rs59866145, ClinGen allele CA100038951.
Genomic context (GRCh38, chr4:81,092,465, plus strand): 5'-GGAAGGCTCCGTGCTTTCAGTCCCTCCCAATTAAAACCATTTAACCACCTGAGAAATGAG[A>AAAGGAAGG]AAGGAAGGAAGGAAGGAAGGAAGGAAGGAAGGAAGGAAGGAAGGAAGGGAGAAAGAAAGA-3'